The following is an entry in ClinVar:

ClinVar aggregate classification (germline): Uncertain significance (1 of 4 stars; one submission).

Conditions:
Agammaglobulinemia 4, autosomal recessive (AGM4). Also called: AGAMMAGLOBULINEMIA, AUTOSOMAL RECESSIVE, DUE TO BLNK DEFECT; B cell linker protein deficiency. Identifiers: MedGen C3150752, MONDO:0013289, OMIM 613502.

Allele frequency attached by ClinVar (database versions not stated): gnomAD exomes below 0.00001 and 0.00001; ExAC 0.00002.
gnomAD v4.1: 4 of 1,613,800 alleles (0.00025%); highest among the groups gnomAD compares: Non-Finnish European, 0.00034%; no homozygotes.

Submission:

Labcorp Genetics (formerly Invitae), Labcorp
Classification: Uncertain significance for Agammaglobulinemia 4, autosomal recessive. Last evaluated: 2022-08-15. Review status: criteria provided, single submitter. Criteria: Invitae Variant Classification Sherloc (09022015). Collection method: clinical testing. Allele origin: germline.
Comment: Algorithms developed to predict the effect of missense changes on protein structure and function are either unavailable or do not agree on the potential impact of this missense change (SIFT: "Deleterious"; PolyPhen-2: "Benign"; Align-GVGD: "Class C0"). ClinVar contains an entry for this variant (Variation ID: 1401545). This variant has not been reported in the literature in individuals affected with BLNK-related conditions. This variant is present in population databases (rs782436993, gnomAD 0.004%). This sequence change replaces glutamic acid, which is acidic and polar, with lysine, which is basic and polar, at codon 173 of the BLNK protein (p.Glu173Lys). In summary, the available evidence is currently insufficient to determine the role of this variant in disease. Therefore, it has been classified as a Variant of Uncertain Significance.

NM_013314.4(BLNK):c.517G>A (p.Glu173Lys)

Gene: BLNK (B cell linker; minus strand). Cytogenetic location: 10q24.1.
Variant type: single nucleotide variant.
Coding change: c.517G>A on transcript NM_013314.4 (MANE Select); coding-DNA position 517, G replaced by A.
Protein change: p.Glu173Lys; replaces glutamic acid 173 with lysine.
Molecular consequence: missense variant. On other transcripts: non-coding transcript variant (1), intron variant (1).
Genome position (GRCh38, 1-based): chr10:96,223,834, C>T on the plus strand (G>A on the coding strand, the complement: BLNK is on the minus strand). VCF-style: chr10-96223834-C-T. GRCh37 (hg19) VCF-style: chr10-97983590-C-T.
Other names: c.517G>A, p.Glu173Lys (NM_001114094.2, NM_001258440.2, NM_001258441.2); c.349+3588G>A (NM_001258442.2); short protein forms E173K.
Identifiers: ClinVar variation 1401545 (VCV001401545.7), dbSNP rs782436993, ClinGen allele CA5623455.